The following is an entry in ClinVar:

ClinVar aggregate classification (germline): Pathogenic (1 of 4 stars; one submission).

Submission:

Labcorp Genetics (formerly Invitae), Labcorp
Classification: Pathogenic. Last evaluated: 2024-07-04. Review status: criteria provided, single submitter. Criteria: Invitae Variant Classification Sherloc (09022015). Collection method: clinical testing. Allele origin: germline.
Comment: This sequence change creates a premature translational stop signal (p.Met521Asnfs*17) in the ERCC6L2 gene. It is expected to result in an absent or disrupted protein product. Loss-of-function variants in ERCC6L2 are known to be pathogenic (PMID: 24507776, 27185855, 29146883, 29987015). This variant is present in population databases (rs773562442, gnomAD 0.0009%). This variant has not been reported in the literature in individuals affected with ERCC6L2-related conditions. For these reasons, this variant has been classified as Pathogenic.

Literature cited by the submitters: PubMed 24507776; PubMed 27185855; PubMed 29146883; PubMed 29987015.

NM_020207.7(ERCC6L2):c.1528dup (p.Met510fs)

Gene: ERCC6L2 (ERCC excision repair 6 like 2; plus strand). Cytogenetic location: 9q22.32.
Variant type: Duplication.
Coding change: c.1528dup on transcript NM_020207.7 (MANE Select); coding-DNA position 1528, one base duplicated (A; older notation c.1528dupA).
Protein change: p.Met510fs; shifts the reading frame from methionine 510.
Molecular consequence: frameshift variant. On other transcripts: non-coding transcript variant (1).
Genome position (GRCh38, 1-based): chr9:95,923,374, A duplicated; the last of 5 consecutive A bases (chr9:95,923,370-95,923,374); duplicating any one gives the same sequence. VCF-style (leftmost placement, unchanged base first): chr9-95923369-G-GA. GRCh37 (hg19) VCF-style: chr9-98685651-G-GA.
Other names: c.1528dup, p.Met510fs (NM_001010895.4, NM_001375291.1, NM_001375292.1 and 2 more transcripts); short protein forms M510fs.
Identifiers: ClinVar variation 2914794 (VCV002914794.3), dbSNP rs773562442, ClinGen allele CA5139579.